The following is an entry in ClinVar:

NM_000337.6(SGCD):c.749C>T (p.Ser250Phe)

Gene: SGCD (sarcoglycan delta; plus strand). Cytogenetic location: 5q33.3.
Variant type: single nucleotide variant.
Coding change: c.749C>T on transcript NM_000337.6 (MANE Select); coding-DNA position 749, C replaced by T.
Protein change: p.Ser250Phe; replaces serine 250 with phenylalanine.
Molecular consequence: missense variant.
Genome position (GRCh38, 1-based): chr5:156,759,266, C>T. VCF-style: chr5-156759266-C-T. GRCh37 (hg19) VCF-style: chr5-156186277-C-T.
Other names: c.746C>T, p.Ser249Phe (NM_001128209.2); short protein forms S249F, S250F.
Identifiers: ClinVar variation 1357398 (VCV001357398.8), dbSNP rs781628137, ClinGen allele CA3530689.

ClinVar aggregate classification (germline): Uncertain significance. Review status: criteria provided, multiple submitters, no conflicts (2 of 4 stars). 4 submissions from 3 submitters: Uncertain significance (4). Last evaluated 2024-10-18.

Conditions:
Inborn genetic diseases. Identifiers: MedGen C0950123, MeSH D030342.
Autosomal recessive limb-girdle muscular dystrophy type 2F (LGMDR6). Also called: Muscular dystrophy limb-girdle with delta-sarcoglyan deficiency; MUSCULAR DYSTROPHY, LIMB-GIRDLE, AUTOSOMAL RECESSIVE 6. Identifiers: Orphanet 219, MedGen C1832525, MONDO:0011028, OMIM 601287. Disease mechanism: Affects gamma-sarcoglycan and also disrupts the integrity of the entire sarcoglycan complex..
Dilated cardiomyopathy 1L (CMD1L). Identifiers: Orphanet 154, MedGen C1847667, MONDO:0011702, OMIM 606685.

Allele frequency attached by ClinVar (database versions not stated): TOPMed below 0.00001; gnomAD exomes 0.00001 and 0.00002; ExAC 0.00004.

Submissions (4):

Labcorp Genetics (formerly Invitae), Labcorp
Classification: Uncertain significance for Autosomal recessive limb-girdle muscular dystrophy type 2F. Last evaluated: 2024-10-18. Review status: criteria provided, single submitter. Criteria: Invitae Variant Classification Sherloc (09022015). Collection method: clinical testing. Allele origin: germline.
Comment: This sequence change replaces serine, which is neutral and polar, with phenylalanine, which is neutral and non-polar, at codon 250 of the SGCD protein (p.Ser250Phe). This variant is present in population databases (rs781628137, gnomAD 0.02%). This variant has not been reported in the literature in individuals affected with SGCD-related conditions. ClinVar contains an entry for this variant (Variation ID: 1357398). Invitae Evidence Modeling of protein sequence and biophysical properties (such as structural, functional, and spatial information, amino acid conservation, physicochemical variation, residue mobility, and thermodynamic stability) indicates that this missense variant is not expected to disrupt SGCD protein function with a negative predictive value of 80%. In summary, the available evidence is currently insufficient to determine the role of this variant in disease. Therefore, it has been classified as a Variant of Uncertain Significance.

Genome-Nilou Lab
Classification: Uncertain significance for Autosomal recessive limb-girdle muscular dystrophy type 2F. Last evaluated: 2023-02-08. Review status: criteria provided, single submitter. Criteria: ACMG Guidelines, 2015. Collection method: clinical testing. Allele origin: germline.

Genome-Nilou Lab
Classification: Uncertain significance for Dilated cardiomyopathy 1L. Last evaluated: 2023-02-08. Review status: criteria provided, single submitter. Criteria: ACMG Guidelines, 2015. Collection method: clinical testing. Allele origin: germline.

Ambry Genetics
Classification: Uncertain significance for Inborn genetic diseases. Last evaluated: 2021-07-12. Review status: criteria provided, single submitter. Criteria: Ambry Variant Classification Scheme 2023. Collection method: clinical testing. Allele origin: germline.
Comment: The p.S250F variant (also known as c.749C>T), located in coding exon 8 of the SGCD gene, results from a C to T substitution at nucleotide position 749. The serine at codon 250 is replaced by phenylalanine, an amino acid with highly dissimilar properties. This amino acid position is conserved. In addition, the in silico prediction for this alteration is inconclusive. Since supporting evidence is limited at this time, the clinical significance of this alteration remains unclear.